The following is an entry in ClinVar:

ClinVar aggregate classification (germline): Pathogenic (1 of 4 stars; one submission).

Conditions:
Hypertrophic cardiomyopathy. Also called: HYPERTROPHIC MYOCARDIOPATHY. Identifiers: Orphanet 217569, MedGen C0007194, MeSH D002312, MONDO:0005045, HP:0001639.

Submission:

Labcorp Genetics (formerly Invitae), Labcorp
Classification: Pathogenic for Hypertrophic cardiomyopathy. Last evaluated: 2025-02-16. Review status: criteria provided, single submitter. Criteria: Invitae Variant Classification Sherloc (09022015). Collection method: clinical testing. Allele origin: germline.
Comment: This sequence change creates a premature translational stop signal (p.Leu669Serfs*24) in the MYBPC3 gene. It is expected to result in an absent or disrupted protein product. Loss-of-function variants in MYBPC3 are known to be pathogenic (PMID: 19574547). This variant is not present in population databases (gnomAD no frequency). This variant has not been reported in the literature in individuals affected with MYBPC3-related conditions. ClinVar contains an entry for this variant (Variation ID: 573073). For these reasons, this variant has been classified as Pathogenic.

Literature cited by the submitters: PubMed 19574547.

NM_000256.3(MYBPC3):c.2003dup (p.Leu669fs)

Gene: MYBPC3 (myosin binding protein C3; minus strand). Cytogenetic location: 11p11.2.
Variant type: Duplication.
Coding change: c.2003dup on transcript NM_000256.3 (MANE Select); coding-DNA position 2003, one base duplicated (G; older notation c.2003dupG).
Protein change: p.Leu669fs; shifts the reading frame from leucine 669.
Molecular consequence: frameshift variant.
Genome position (GRCh38, 1-based): chr11:47,339,715, C duplicated on the plus strand (G on the coding strand, the reverse complement: MYBPC3 is on the minus strand). VCF-style (leftmost placement, unchanged base first): chr11-47339714-A-AC. GRCh37 (hg19) VCF-style: chr11-47361265-A-AC.
Other names: c.2003dup, p.Leu669fs (LRG_386t1); c.2003dupG (NM_000256.3); short protein forms L669fs.
Identifiers: ClinVar variation 573073 (VCV000573073.6), dbSNP rs1565626409, ClinGen allele CA891842475.